The following is an entry in ClinVar:

ClinVar aggregate classification (germline): Uncertain significance (1 of 4 stars; one submission).

Submission:

Ambry Genetics
Classification: Uncertain significance. Last evaluated: 2023-05-02. Review status: criteria provided, single submitter. Criteria: Ambry Variant Classification Scheme 2023. Collection method: clinical testing. Allele origin: germline.
Comment: The p.R361L variant (also known as c.1082G>T), located in coding exon 9 of the FAM175A gene, results from a G to T substitution at nucleotide position 1082. The arginine at codon 361 is replaced by leucine, an amino acid with dissimilar properties. This amino acid position is conserved. In addition, the in silico prediction for this alteration is inconclusive. Since supporting evidence is limited at this time, the clinical significance of this alteration remains unclear.

NM_139076.3(ABRAXAS1):c.1082G>T (p.Arg361Leu)

Gene: ABRAXAS1 (abraxas 1, BRCA1 A complex subunit; minus strand). Cytogenetic location: 4q21.23.
Variant type: single nucleotide variant.
Coding change: c.1082G>T on transcript NM_139076.3 (MANE Select); coding-DNA position 1082, G replaced by T.
Protein change: p.Arg361Leu; replaces arginine 361 with leucine.
Molecular consequence: missense variant.
Genome position (GRCh38, 1-based): chr4:83,462,617, C>A on the plus strand (G>T on the coding strand, the complement: ABRAXAS1 is on the minus strand). VCF-style: chr4-83462617-C-A. GRCh37 (hg19) VCF-style: chr4-84383770-C-A.
Other names: c.755G>T, p.Arg252Leu (NM_001345962.2); short protein forms R252L, R361L.
Identifiers: ClinVar variation 2561766 (VCV002561766.2), dbSNP rs201627097, ClinGen allele CA357255210.
Genomic context (GRCh38, chr4:83,462,617, plus strand): 5'-TTATCTTGGTTACTACTACCAGTATCTGCTTTAGATCGTTTGTCTTGTGTATCTAACAAC[C>A]GAGATCTCTTGAATTGCCATCTGTCATCTAAGTCTAAGGCTTTATGCTTAATGATTTGTG-3'
Protein context (NP_620775.2, residues 351-371): LDDRWQFKRS[Arg361Leu]LLDTQDKRSK